The following is an entry in ClinVar:

ClinVar aggregate classification (germline): Uncertain significance (1 of 4 stars; one submission).

Conditions:
Imerslund-Grasbeck syndrome. Also called: ENTEROCYTE COBALAMIN MALABSORPTION; ENTEROCYTE INTRINSIC FACTOR RECEPTOR, DEFECT OF; PERNICIOUS ANEMIA, JUVENILE, DUE TO SELECTIVE INTESTINAL MALABSORPTION OF VITAMIN B12, WITH PROTEINURIA; Megaloblastic anemia due to inborn errors of metabolism; Imerslund-Gräsbeck syndrome. Identifiers: Orphanet 35858, MedGen C4551825, MONDO:0009853.

Allele frequency attached by ClinVar (database versions not stated): gnomAD exomes below 0.00001.
gnomAD v4.1: 36 of 1,613,224 alleles (0.0022%); highest among the groups gnomAD compares: Non-Finnish European, 0.0031%; no homozygotes.

Submission:

Labcorp Genetics (formerly Invitae), Labcorp
Classification: Uncertain significance for Imerslund-Grasbeck syndrome. Last evaluated: 2019-02-18. Review status: criteria provided, single submitter. Criteria: Invitae Variant Classification Sherloc (09022015). Collection method: clinical testing. Allele origin: germline.
Comment: In summary, the available evidence is currently insufficient to determine the role of this variant in disease. Therefore, it has been classified as a Variant of Uncertain Significance. Algorithms developed to predict the effect of missense changes on protein structure and function are either unavailable or do not agree on the potential impact of this missense change (SIFT: "Tolerated"; PolyPhen-2: "Possibly Damaging"; Align-GVGD: "Class C0"). This variant has not been reported in the literature in individuals with CUBN-related conditions. This variant is not present in population databases (ExAC no frequency). This sequence change replaces lysine with glutamine at codon 1138 of the CUBN protein (p.Lys1138Gln). The lysine residue is moderately conserved and there is a small physicochemical difference between lysine and glutamine.

NM_001081.4(CUBN):c.3412A>C (p.Lys1138Gln)

Gene: CUBN (cubilin; minus strand). Cytogenetic location: 10p13.
Variant type: single nucleotide variant.
Coding change: c.3412A>C on transcript NM_001081.4 (MANE Select); coding-DNA position 3412, A replaced by C.
Protein change: p.Lys1138Gln; replaces lysine 1138 with glutamine.
Molecular consequence: missense variant.
Genome position (GRCh38, 1-based): chr10:17,046,012, T>G on the plus strand (A>C on the coding strand, the complement: CUBN is on the minus strand). VCF-style: chr10-17046012-T-G. GRCh37 (hg19) VCF-style: chr10-17088011-T-G.
Other names: short protein forms K1138Q.
Identifiers: ClinVar variation 841865 (VCV000841865.10), dbSNP rs1325425384, ClinGen allele CA376149378.